The following is an entry in ClinVar:

ClinVar aggregate classification (germline): Benign/Likely benign. Review status: criteria provided, multiple submitters, no conflicts (2 of 4 stars). 9 submissions from 9 submitters: Benign (7); Likely benign (1). 1 of the submissions does not count toward it. Last evaluated 2026-09-01.

Conditions:
Polycystic kidney disease, adult type (PKD1). Also called: POLYCYSTIC KIDNEY DISEASE, ADULT, TYPE I; Polycystic Kidney, Autosomal Dominant; Polycystic Kidney Disease 1, Autosomal Dominant; Polycystic kidney disease 1; Polycystic kidney disease 1, severe; POLYCYSTIC KIDNEY DISEASE 1 WITH OR WITHOUT POLYCYSTIC LIVER DISEASE. Identifiers: MedGen C3149841, MONDO:0008263, OMIM 173900.
Polycystic kidney disease. Also called: Kidney, Polycystic; Polycystic kidney dysplasia. Identifiers: MedGen C0022680, MeSH D007690, MONDO:0020642, HP:0000113.

Allele frequency attached by ClinVar (database versions not stated): 1000 Genomes Project 30x 0.00203; 1000 Genomes Project 0.00260; TOPMed 0.00400; ESP Exome Variant Server 0.00402; gnomAD 0.00690 and 0.00720.
gnomAD v4.1: 10,330 of 1,573,854 alleles (0.66%); highest among the groups gnomAD compares: Non-Finnish European, 0.63%; 74 homozygotes.

Submissions (9):

CeGaT Center for Human Genetics Tuebingen
Classification: Likely benign. Last evaluated: 2026-09-01. Review status: criteria provided, single submitter. Criteria: CeGaT Center For Human Genetics Tuebingen Variant Classification Criteria Version 2. Collection method: clinical testing. Allele origin: germline. Affected: yes. Observed: 18 variant alleles.
Comment: PKD1: BP4, BP7, BS2

Women's Health and Genetics/Laboratory Corporation of America, LabCorp
Classification: Benign. Last evaluated: 2025-03-27. Review status: criteria provided, single submitter. Criteria: LabCorp Variant Classification Summary - May 2015. Collection method: clinical testing. Allele origin: germline.

Blueprint Genetics
Classification: Benign. Last evaluated: 2024-11-27. Review status: criteria provided, single submitter. Criteria: ACMG Guidelines, 2015. Collection method: clinical testing. Allele origin: germline.

Mayo Clinic Laboratories, Mayo Clinic
Classification: Benign. Last evaluated: 2023-04-11. Review status: criteria provided, single submitter. Criteria: ACMG Guidelines, 2015. Collection method: clinical testing. Allele origin: germline. Observed: 10 variant alleles.
Comment: BS1, BS2, BP4, BP7

GeneDx
Classification: Benign. Last evaluated: 2020-02-18. Review status: criteria provided, single submitter. Criteria: GeneDx Variant Classification Process June 2021. Collection method: clinical testing. Allele origin: germline. Affected: yes.
Comment: This variant is associated with the following publications: (PMID: 22383692, 17574468, 18837007)

ARUP Laboratories, Molecular Genetics and Genomics, ARUP Laboratories
Classification: Benign for Polycystic kidney disease, adult type. Last evaluated: 2019-03-26. Review status: criteria provided, single submitter. Criteria: ARUP Molecular Germline Variant Investigation Process. Collection method: clinical testing. Allele origin: germline.

Athena Diagnostics
Classification: Benign. Last evaluated: 2018-03-01. Review status: criteria provided, single submitter. Criteria: Athena Diagnostics Criteria. Collection method: clinical testing. Allele origin: germline.

PreventionGenetics, part of Exact Sciences
Classification: Benign. Review status: criteria provided, single submitter. Criteria: ACMG Guidelines, 2015. Collection method: clinical testing. Allele origin: germline.

Department of Pathology and Laboratory Medicine, Sinai Health System
Classification: Benign for Polycystic Kidney disease. Review status: no assertion criteria provided. Collection method: clinical testing. Allele origin: unknown. Affected: yes. Observed: 1 variant allele. Study: The Canadian Open Genetics Repository (COGR). Not counted in ClinVar's aggregate classification.
Comment: The PKD1 p.Thr1171Thr variant was identified in 1 of 50 proband chromosomes (frequency: 0.020) from individuals or families with ADPKD (Tan 2014); however, control chromosomes were not evaluated in this study, thus the prevalence of this variant in the general population could not be determined. The variant was also identified in dbSNP (ID: rs143784787) as â€šÃ„ÃºWith Benign Alleleâ€šÃ„Ã¹; in Clinvitae and ClinVar as benign by Prevention Genetics; in the ADPKD Mutation Database 5x as likely neutral; and in PKD1-LOVD 3.0 with unknown effect. The variant was not identified in the GeneInsight COGR, MutDB, and PKD1-LOVD databases. This variant was further identified in the 1000 Genomes Project in 13 of 5000 chromosomes (frequency: 0.0026); HAPMAP-EUR in 11 of 1006 chromosomes (frequency: 0.011) and HAPMAP-AMR in 2 of 694 chromosomes (frequency: 0.003); and the NHLBI GO Exome Sequencing Project in 5 of 4248 European American (frequency: 0.001) and 46 of 8432 African American (frequency: 0.005) alleles. In addition, the variant was identified in the Exome Aggregation Consortium database (August 8th 2016) in 199 of 28266 chromosomes (frequency: 0.007) in the following populations: European (Finnish) in 16 of 304 chromosomes (freq. 0.052), European (Non-Finnish) in 165 of 13016 chromosomes (freq. 0.012), Latino in 4of 1266 chromosomes (frequency: 0.003), African in 4 of 2842 chromosomes (freq. 0.001), South Asian in 6 of 8894 chromosomes (freq. 0.0006), and in other in 4 of 250 chromosomes (freq. 0.016) but was not seen in the East Asian populations increasing the likelihood this could be a low frequency benign variant. The p.Thr1171Thr variant is not expected to have clinical significance because it does not result in a change of amino acid and is not located in a known consensus splice site. In addition, in silico or computational prediction software programs (SpliceSiteFinder, MaxEntScan, NNSPLICE, GeneSplicer, HumanSpliceFinder) do not predict a difference in splicing. In summary, based on the above information, this variant meets our laboratory criteria to be classified as benign.

Literature cited by the submitters: PubMed 17574468 (cited by Athena Diagnostics); PubMed 18837007 (cited by Athena Diagnostics).

NM_001009944.3(PKD1):c.3513C>G (p.Thr1171=)

Gene: PKD1 (polycystin 1, transient receptor potential channel interacting; minus strand). Cytogenetic location: 16p13.3.
Variant type: single nucleotide variant.
Coding change: c.3513C>G on transcript NM_001009944.3 (MANE Select); coding-DNA position 3513, C replaced by G.
Protein change: p.Thr1171=; no amino-acid change (threonine 1171 retained).
Molecular consequence: synonymous variant.
Genome position (GRCh38, 1-based): chr16:2,111,654, G>C on the plus strand (C>G on the coding strand, the complement: PKD1 is on the minus strand). VCF-style: chr16-2111654-G-C. GRCh37 (hg19) VCF-style: chr16-2161655-G-C.
Other names: p.Thr1171=; c.3513C>G, p.Thr1171= (NM_000296.4).
Identifiers: ClinVar variation 256954 (VCV000256954.40), dbSNP rs143784787, ClinGen allele CA7832742.